The following is an entry in ClinVar:

ClinVar aggregate classification (germline): Uncertain significance (1 of 4 stars; one submission).

Conditions:
Dyskeratosis congenita, autosomal dominant 1 (DKCA1). Also called: Dyskeratosis congenita Scoggins type. Identifiers: Orphanet 1775, MedGen C4551974, MONDO:0007485, OMIM 127550. Inheritance: Variable.

Allele frequency attached by ClinVar (database versions not stated): gnomAD exomes below 0.00001.
gnomAD v4.1: 1 of 762,110 alleles (0.00013%); highest among the groups gnomAD compares: Non-Finnish European, 0.00024%; no homozygotes.

Submission:

Labcorp Genetics (formerly Invitae), Labcorp
Classification: Uncertain significance for Dyskeratosis congenita, autosomal dominant 1. Last evaluated: 2024-10-29. Review status: criteria provided, single submitter. Criteria: Invitae Variant Classification Sherloc (09022015). Collection method: clinical testing. Allele origin: germline.
Comment: This variant occurs in the TERC gene, which encodes an RNA molecule that does not result in a protein product. The frequency data for this variant in the population databases is considered unreliable, as metrics indicate poor data quality at this position in the gnomAD database. This variant has not been reported in the literature in individuals affected with TERC-related conditions. ClinVar contains an entry for this variant (Variation ID: 1037204). This variant is located within the template/pseudoknot domain of the TERC RNA component, which is required for RNA or RNP stability (PMID: 15082312, 21844345). In summary, the available evidence is currently insufficient to determine the role of this variant in disease. Therefore, it has been classified as a Variant of Uncertain Significance.

Literature cited by the submitters: PubMed 15082312; PubMed 21844345.

NC_000003.12:g.169764878G>A

Genes: TERC (telomerase RNA component; minus strand), LOC110806306 (telomerase RNA component (TERC) promoter; plus strand). Cytogenetic location: 3q26.2.
Variant type: single nucleotide variant.
Genome position: GRCh38 VCF-style: chr3-169764878-G-A. GRCh37 (hg19) VCF-style: chr3-169482666-G-A.
Identifiers: ClinVar variation 1037204 (VCV001037204.9), dbSNP rs1391283733, ClinGen allele CA436715498.
Genomic context (GRCh38, chr3:169,764,878, plus strand): 5'-GGTTCGGGGGCTGGGCAGGCGACCCGCCGCAGGTCCCCGGGAGGGGCGAACGGGCCAGCA[G>A]CTGACATTTTTTGTTTGCTCTAGAATGAACGGTGGAAGGCGGCAGGCCGAGGCTTTTCCG-3'